The following is an entry in ClinVar:

NM_004364.5(CEBPA):c.437T>C (p.Leu146Pro)

Gene: CEBPA (CCAAT enhancer binding protein alpha; minus strand). Cytogenetic location: 19q13.11.
Variant type: single nucleotide variant.
Coding change: c.437T>C on transcript NM_004364.5 (MANE Select); coding-DNA position 437, T replaced by C.
Protein change: p.Leu146Pro; replaces leucine 146 with proline.
Molecular consequence: missense variant.
Genome position (GRCh38, 1-based): chr19:33,301,978, A>G on the plus strand (T>C on the coding strand, the complement: CEBPA is on the minus strand). VCF-style: chr19-33301978-A-G. GRCh37 (hg19) VCF-style: chr19-33792884-A-G.
Other names: c.437T>C (NM_004364.3); c.80T>C, p.Leu27Pro (NM_001285829.2); c.542T>C, p.Leu181Pro (NM_001287424.2); c.395T>C, p.Leu132Pro (NM_001287435.2); short protein forms L132P, L146P, L181P, L27P.
Identifiers: ClinVar variation 1001275 (VCV001001275.11), dbSNP rs1481195051, ClinGen allele CA405274955.

ClinVar aggregate classification (germline): Uncertain significance. Review status: criteria provided, multiple submitters, no conflicts (2 of 4 stars). 3 submissions from 3 submitters: Uncertain significance (3). Last evaluated 2025-03-18.

Conditions:
Acute myeloid leukemia (AML). Also called: Acute myeloid leukemia, adult; AML adult; Acute non-lymphocytic leukemia; Acute granulocytic leukemia; Leukemia, acute myelogenous, somatic; Leukemia, acute myeloid, somatic. Identifiers: Orphanet 519, MedGen C0023467, MeSH D015470, MONDO:0018874, OMIM 601626, HP:0004808. Disease mechanism: Constitutively activated FLT3.
Inborn genetic diseases. Identifiers: MedGen C0950123, MeSH D030342.

Allele frequency attached by ClinVar (database versions not stated): TOPMed below 0.00001.

Submissions (3):

Ambry Genetics
Classification: Uncertain significance for Inborn genetic diseases. Last evaluated: 2025-03-18. Review status: criteria provided, single submitter. Criteria: Ambry Variant Classification Scheme 2023. Collection method: clinical testing. Allele origin: germline.
Comment: The p.L146P variant (also known as c.437T>C), located in coding exon 1 of the CEBPA gene, results from a T to C substitution at nucleotide position 437. The leucine at codon 146 is replaced by proline, an amino acid with similar properties. This amino acid position is conserved. In addition, this alteration is predicted to be tolerated by in silico analysis. Based on the available evidence, the clinical significance of this variant remains unclear.

GeneDx
Classification: Uncertain significance. Last evaluated: 2022-12-07. Review status: criteria provided, single submitter. Criteria: GeneDx Variant Classification Process June 2021. Collection method: clinical testing. Allele origin: germline. Affected: yes.
Comment: Not observed at significant frequency in large population cohorts (gnomAD); In silico analysis supports that this missense variant does not alter protein structure/function; Has not been previously published as pathogenic or benign to our knowledge; This variant is associated with the following publications: (PMID: 21455213)

Labcorp Genetics (formerly Invitae), Labcorp
Classification: Uncertain significance for Acute myeloid leukemia. Last evaluated: 2022-11-09. Review status: criteria provided, single submitter. Criteria: Invitae Variant Classification Sherloc (09022015). Collection method: clinical testing. Allele origin: germline.
Comment: The frequency data for this variant in the population databases is considered unreliable, as metrics indicate insufficient coverage at this position in the gnomAD database. This sequence change replaces leucine, which is neutral and non-polar, with proline, which is neutral and non-polar, at codon 146 of the CEBPA protein (p.Leu146Pro). This variant has not been reported in the literature in individuals affected with CEBPA-related conditions. ClinVar contains an entry for this variant (Variation ID: 1001275). Advanced modeling of protein sequence and biophysical properties (such as structural, functional, and spatial information, amino acid conservation, physicochemical variation, residue mobility, and thermodynamic stability) performed at Invitae indicates that this missense variant is not expected to disrupt CEBPA protein function. In summary, the available evidence is currently insufficient to determine the role of this variant in disease. Therefore, it has been classified as a Variant of Uncertain Significance.